The following is an entry in ClinVar:

ClinVar aggregate classification (germline): Uncertain significance (1 of 4 stars; one submission).

Allele frequency attached by ClinVar (database versions not stated): gnomAD exomes below 0.00001.
gnomAD v4.1: 1 of 1,614,100 alleles (0.000062%); highest among the groups gnomAD compares: East Asian, 0.0022%; no homozygotes.

Submission:

Labcorp Genetics (formerly Invitae), Labcorp
Classification: Uncertain significance. Last evaluated: 2024-01-30. Review status: criteria provided, single submitter. Criteria: Invitae Variant Classification Sherloc (09022015). Collection method: clinical testing. Allele origin: germline.
Comment: This sequence change replaces proline, which is neutral and non-polar, with arginine, which is basic and polar, at codon 1363 of the POLE protein (p.Pro1363Arg). This variant is not present in population databases (gnomAD no frequency). This variant has not been reported in the literature in individuals affected with POLE-related conditions. Advanced modeling of protein sequence and biophysical properties (such as structural, functional, and spatial information, amino acid conservation, physicochemical variation, residue mobility, and thermodynamic stability) performed at Invitae indicates that this missense variant is not expected to disrupt POLE protein function with a negative predictive value of 80%. In summary, the available evidence is currently insufficient to determine the role of this variant in disease. Therefore, it has been classified as a Variant of Uncertain Significance.

NM_006231.4(POLE):c.4088C>G (p.Pro1363Arg)

Gene: POLE (DNA polymerase epsilon, catalytic subunit; minus strand). Cytogenetic location: 12q24.33.
Variant type: single nucleotide variant.
Coding change: c.4088C>G on transcript NM_006231.4 (MANE Select); coding-DNA position 4088, C replaced by G.
Protein change: p.Pro1363Arg; replaces proline 1363 with arginine.
Molecular consequence: missense variant.
Genome position (GRCh38, 1-based): chr12:132,648,990, G>C on the plus strand (C>G on the coding strand, the complement: POLE is on the minus strand). VCF-style: chr12-132648990-G-C. GRCh37 (hg19) VCF-style: chr12-133225576-G-C.
Other names: short protein forms P1363R.
Identifiers: ClinVar variation 2695067 (VCV002695067.3), dbSNP rs1399456425, ClinGen allele CA387383761.